The following is an entry in ClinVar:

NM_152564.5(VPS13B):c.1114G>C (p.Ala372Pro)

Gene: VPS13B (vacuolar protein sorting 13 homolog B; plus strand). Cytogenetic location: 8q22.2.
Variant type: single nucleotide variant.
Coding change: c.1114G>C on transcript NM_152564.5 (MANE Select); coding-DNA position 1114, G replaced by C.
Protein change: p.Ala372Pro; replaces alanine 372 with proline.
Molecular consequence: missense variant. On other transcripts: non-coding transcript variant (1).
Genome position (GRCh38, 1-based): chr8:99,121,353, G>C. VCF-style: chr8-99121353-G-C. GRCh37 (hg19) VCF-style: chr8-100133581-G-C.
Other names: c.1114G>C, p.Ala372Pro (NM_015243.3, NM_017890.5, NM_181661.3); short protein forms A372P.
Identifiers: ClinVar variation 3061093 (VCV003061093.2), dbSNP rs1267582816, ClinGen allele CA371861150.
Genomic context (GRCh38, chr8:99,121,353, plus strand): 5'-TTTGTGCCTGCAATTGTGAGTTATGACGATGGCGAGGAAGACTTTGTTGGGAACGATCCT[G>C]CATCAACCATGCATCAACAAAAAGCACAGACTTTGAAGGATCCTATTGTTTCTATAGGAT-3'
Protein context (NP_689777.3, residues 362-382): GEEDFVGNDP[Ala372Pro]STMHQQKAQT

ClinVar aggregate classification (germline): Uncertain significance (0 of 4 stars; one submission).

Conditions:
VPS13B-related disorder. Also called: VPS13B-related condition.

Allele frequency attached by ClinVar (database versions not stated): gnomAD 0.00001; TOPMed 0.00001.
gnomAD v4.1: 1 of 1,614,038 alleles (0.000062%); highest among the groups gnomAD compares: African/African-American, 0.0013%; no homozygotes.

Submission:

PreventionGenetics, part of Exact Sciences
Classification: Uncertain significance for VPS13B-related condition. Last evaluated: 2024-02-29. Review status: no assertion criteria provided. Collection method: clinical testing. Allele origin: germline.
Comment: The VPS13B c.1114G>C variant is predicted to result in the amino acid substitution p.Ala372Pro. To our knowledge, this variant has not been reported in the literature. This variant is reported in 0.011% of alleles in individuals of African descent in gnomAD. At this time, the clinical significance of this variant is uncertain due to the absence of conclusive functional and genetic evidence.